The following is an entry in ClinVar:

NM_001142800.2(EYS):c.5916dup (p.Leu1973fs)

Gene: EYS (EGF-like photoreceptor maintenance factor; minus strand). Cytogenetic location: 6q12.
Variant type: Duplication.
Coding change: c.5916dup on transcript NM_001142800.2 (MANE Select); coding-DNA position 5916, one base duplicated (A; older notation c.5916dupA).
Protein change: p.Leu1973fs; shifts the reading frame from leucine 1973.
Molecular consequence: frameshift variant.
Genome position (GRCh38, 1-based): chr6:64,436,185, T duplicated on the plus strand (A on the coding strand, the reverse complement: EYS is on the minus strand). VCF-style (leftmost placement, unchanged base first): chr6-64436184-G-GT. GRCh37 (hg19) VCF-style: chr6-65146077-G-GT.
Other names: c.5916dup, p.Leu1973fs (NM_001292009.2); short protein forms L1973fs.
Identifiers: ClinVar variation 941059 (VCV000941059.8), dbSNP rs1774741085, ClinGen allele CA1139659640.

ClinVar aggregate classification (germline): Pathogenic/Likely pathogenic. Review status: criteria provided, multiple submitters, no conflicts (2 of 4 stars). 2 submissions from 2 submitters: Pathogenic (1); Likely pathogenic (1). Last evaluated 2023-07-25.

Conditions:
EYS-related disorder. Also called: EYS-related condition.

Allele frequency attached by ClinVar (database versions not stated): gnomAD exomes below 0.00001.

Submissions (2):

Labcorp Genetics (formerly Invitae), Labcorp
Classification: Pathogenic. Last evaluated: 2023-07-25. Review status: criteria provided, single submitter. Criteria: Invitae Variant Classification Sherloc (09022015). Collection method: clinical testing. Allele origin: germline.
Comment: For these reasons, this variant has been classified as Pathogenic. ClinVar contains an entry for this variant (Variation ID: 941059). This variant has not been reported in the literature in individuals affected with EYS-related conditions. This variant is not present in population databases (gnomAD no frequency). This sequence change creates a premature translational stop signal (p.Leu1973Thrfs*11) in the EYS gene. It is expected to result in an absent or disrupted protein product. Loss-of-function variants in EYS are known to be pathogenic (PMID: 18836446, 20333770).

Blueprint Genetics
Classification: Likely pathogenic for EYS-related disorders. Last evaluated: 2023-03-14. Review status: criteria provided, single submitter. Criteria: ACMG Guidelines, 2015. Collection method: clinical testing. Allele origin: germline. Affected: yes. Observed: 2 variant alleles.

Literature cited by the submitters: PubMed 18836446 (cited by Labcorp Genetics (formerly Invitae), Labcorp); PubMed 20333770 (cited by Labcorp Genetics (formerly Invitae), Labcorp).